The following is an entry in ClinVar:

ClinVar aggregate classification (germline): Uncertain significance (1 of 4 stars; one submission).

Submission:

Dasa
Classification: Uncertain significance. Last evaluated: 2025-12-23. Review status: criteria provided, single submitter. Criteria: DASA Assertion Criteria. Collection method: clinical testing. Allele origin: germline.
Comment: NM_001122630.2(CDKN1C):c.359_361del (p.Glu120del) is an in-frame deletion predicted to remove glutamic acid at protein position 120 without shifting the reading frame. This variant is rare in population databases. The currently available literature and clinical evidence are not sufficient to establish a definitive association between this variant and the reported condition. Therefore, this variant is classified as a variant of uncertain significance.

NM_001122630.2(CDKN1C):c.356AGG[1] (p.Glu120del)

Gene: CDKN1C (cyclin dependent kinase inhibitor 1C; minus strand). Cytogenetic location: 11p15.4.
Variant type: Microsatellite.
Coding change: c.356AGG[1] on transcript NM_001122630.2 (MANE Select); one copy of the 3-base unit AGG starting at c.356; the reference has two copies in a row; one copy, 3 bases deleted; also written c.359_361del.
Protein change: p.Glu120del; deletes glutamic acid 120.
Molecular consequence: inframe deletion. On other transcripts: intron variant (1).
Genome position (GRCh38, 1-based): chr11:2,885,096-2,885,098, CCT deleted on the plus strand (AGG on the coding strand, the reverse complement: CDKN1C is on the minus strand); deleting any 3 consecutive bases within chr11:2,885,096-2,885,102 gives the same sequence; the position shown is the placement nearest the transcript's 3' end. VCF-style (leftmost placement, unchanged base first): chr11-2885095-GCCT-G. GRCh37 (hg19) VCF-style: chr11-2906325-GCCT-G.
Other names: c.389AGG[1], p.Glu131del (NM_000076.2, NM_001362474.2); c.356AGG[1], p.Glu120del (NM_001122631.2); c.255+104_255+106del (NM_001362475.2); c.359_361del (NM_001122630.2); short protein forms E120del, E131del.
Identifiers: ClinVar variation 4886328 (VCV004886328.2).